The following is an entry in ClinVar:

ClinVar aggregate classification (germline): Uncertain significance (1 of 4 stars; one submission).

Submission:

Labcorp Genetics (formerly Invitae), Labcorp
Classification: Uncertain significance. Last evaluated: 2025-10-14. Review status: criteria provided, single submitter. Criteria: Invitae Variant Classification Sherloc (09022015). Collection method: clinical testing. Allele origin: germline.
Comment: This sequence change replaces cysteine, which is neutral and slightly polar, with tryptophan, which is neutral and slightly polar, at codon 1002 of the NBAS protein (p.Cys1002Trp). This variant is not present in population databases (gnomAD no frequency). This variant has not been reported in the literature in individuals affected with NBAS-related conditions. Invitae Evidence Modeling of protein sequence and biophysical properties (such as structural, functional, and spatial information, amino acid conservation, physicochemical variation, residue mobility, and thermodynamic stability) indicates that this missense variant is expected to disrupt NBAS protein function with a positive predictive value of 95%. In summary, the available evidence is currently insufficient to determine the role of this variant in disease. Therefore, it has been classified as a Variant of Uncertain Significance.

NM_015909.4(NBAS):c.3006T>G (p.Cys1002Trp)

Gene: NBAS (NBAS subunit of NRZ tethering complex; minus strand). Cytogenetic location: 2p24.3.
Variant type: single nucleotide variant.
Coding change: c.3006T>G on transcript NM_015909.4 (MANE Select); coding-DNA position 3006, T replaced by G.
Protein change: p.Cys1002Trp; replaces cysteine 1002 with tryptophan.
Molecular consequence: missense variant. On other transcripts: non-coding transcript variant (1).
Genome position (GRCh38, 1-based): chr2:15,402,233, A>C on the plus strand (T>G on the coding strand, the complement: NBAS is on the minus strand). VCF-style: chr2-15402233-A-C. GRCh37 (hg19) VCF-style: chr2-15542357-A-C.
Other names: short protein forms C1002W.
Identifiers: ClinVar variation 4746876 (VCV004746876.1).